The following is an entry in ClinVar:

NM_005228.5(EGFR):c.113del (p.Leu38fs)

Gene: EGFR (epidermal growth factor receptor; plus strand). Cytogenetic location: 7p11.2.
Variant type: Deletion.
Coding change: c.113del on transcript NM_005228.5 (MANE Select); coding-DNA position 113, one base deleted (T; older notation c.113delT).
Protein change: p.Leu38fs; shifts the reading frame from leucine 38.
Molecular consequence: frameshift variant. On other transcripts: 5 prime UTR variant (1), intron variant (1).
Genome position (GRCh38, 1-based): chr7:55,142,310, T deleted. VCF-style (leftmost placement, unchanged base first): chr7-55142309-CT-C. GRCh37 (hg19) VCF-style: chr7-55210002-CT-C.
Other names: c.113del, p.Leu38fs (NM_001346897.2, NM_001346898.2, NM_001346899.2 and 3 more transcripts); c.-47del (NM_001346900.2); c.89-13520del (NM_001346941.2); c.113delT (NM_005228.3); short protein forms L38fs.
Identifiers: ClinVar variation 1457850 (VCV001457850.7), dbSNP rs2128926159, ClinGen allele CA2573142207.

ClinVar aggregate classification (germline): Conflicting classifications of pathogenicity. Review status: criteria provided, conflicting classifications (1 of 4 stars). 2 submissions from 2 submitters: Pathogenic (1); Uncertain significance (1). Last evaluated 2026-06-06.

Conditions:
Hereditary cancer-predisposing syndrome. Also called: Tumor predisposition; Neoplastic Syndromes, Hereditary; Hereditary Cancer Syndrome; Hereditary neoplastic syndrome. Identifiers: Orphanet 140162, MedGen C0027672, MeSH D009386, MONDO:0015356.
EGFR-related lung cancer (EGFR). Identifiers: MedGen CN130014.

Submissions (2):

Ambry Genetics
Classification: Uncertain significance for Hereditary cancer-predisposing syndrome. Last evaluated: 2026-06-06. Review status: criteria provided, single submitter. Criteria: Ambry Variant Classification Scheme 2023. Collection method: clinical testing. Allele origin: germline.
Comment: The c.113delT variant, located in coding exon 2 of the EGFR gene, results from a deletion of one nucleotide at nucleotide position 113, causing a translational frameshift with a predicted alternate stop codon (p.L38Pfs*42). This alteration is expected to result in loss of function by premature protein truncation or nonsense-mediated mRNA decay. Although biallelic loss of function of EGFR are known to cause EGFR-related neonatal inflammatory skin and bowel disease, such associations with EGFR-related lung cancer have not been reported. Based on the supporting evidence, this variant is expected to be causative of EGFR-related neonatal inflammatory skin and bowel disease when present along with a second pathogenic variant on the other allele; however, its clinical significance for EGFR-related lung cancer is unclear.

Labcorp Genetics (formerly Invitae), Labcorp
Classification: Pathogenic for EGFR-related lung cancer. Last evaluated: 2023-11-05. Review status: criteria provided, single submitter. Criteria: Invitae Variant Classification Sherloc (09022015). Collection method: clinical testing. Allele origin: germline.
Comment: This sequence change creates a premature translational stop signal (p.Leu38Profs*42) in the EGFR gene. It is expected to result in an absent or disrupted protein product. Loss-of-function variants in EGFR are known to be pathogenic (PMID: 7630400, 28726809, 29899996). This variant is not present in population databases (gnomAD no frequency). This variant has not been reported in the literature in individuals affected with EGFR-related conditions. ClinVar contains an entry for this variant (Variation ID: 1457850). For these reasons, this variant has been classified as Pathogenic.

Literature cited by the submitters: PubMed 7630400 (cited by Labcorp Genetics (formerly Invitae), Labcorp); PubMed 28726809 (cited by Labcorp Genetics (formerly Invitae), Labcorp); PubMed 29899996 (cited by Labcorp Genetics (formerly Invitae), Labcorp).